The following is an entry in ClinVar:

NM_015295.3(SMCHD1):c.4153G>C (p.Gly1385Arg)

Gene: SMCHD1 (structural maintenance of chromosomes flexible hinge domain containing 1; plus strand). Cytogenetic location: 18p11.32.
Variant type: single nucleotide variant.
Coding change: c.4153G>C on transcript NM_015295.3 (MANE Select); coding-DNA position 4153, G replaced by C.
Protein change: p.Gly1385Arg; replaces glycine 1385 with arginine.
Molecular consequence: missense variant.
Genome position (GRCh38, 1-based): chr18:2,750,495, G>C. VCF-style: chr18-2750495-G-C. GRCh37 (hg19) VCF-style: chr18-2750493-G-C.
Other names: short protein forms G1385R.
Identifiers: ClinVar variation 3670751 (VCV003670751.2).

ClinVar aggregate classification (germline): Uncertain significance (1 of 4 stars; one submission).

Conditions:
Facioscapulohumeral muscular dystrophy 2 (FSHD2). Also called: MUSCULAR DYSTROPHY, FACIOSCAPULOHUMERAL, TYPE 1B; FACIOSCAPULOHUMERAL MUSCULAR DYSTROPHY 2, DIGENIC; FSHD2, DIGENIC. Identifiers: Orphanet 269, MedGen C1834671, MONDO:0008031, OMIM 158901.

gnomAD v4.1: 1 of 1,601,248 alleles (0.000062%); highest among the groups gnomAD compares: South Asian, 0.0011%; no homozygotes.

Submission:

Labcorp Genetics (formerly Invitae), Labcorp
Classification: Uncertain significance for Facioscapulohumeral muscular dystrophy 2. Last evaluated: 2024-02-14. Review status: criteria provided, single submitter. Criteria: Invitae Variant Classification Sherloc (09022015). Collection method: clinical testing. Allele origin: germline.
Comment: This sequence change replaces glycine, which is neutral and non-polar, with arginine, which is basic and polar, at codon 1385 of the SMCHD1 protein (p.Gly1385Arg). This variant is not present in population databases (gnomAD no frequency). This variant has not been reported in the literature in individuals affected with SMCHD1-related conditions. Advanced modeling of protein sequence and biophysical properties (such as structural, functional, and spatial information, amino acid conservation, physicochemical variation, residue mobility, and thermodynamic stability) performed at Invitae indicates that this missense variant is not expected to disrupt SMCHD1 protein function with a negative predictive value of 80%. In summary, the available evidence is currently insufficient to determine the role of this variant in disease. Therefore, it has been classified as a Variant of Uncertain Significance.